The following is an entry in ClinVar:

NM_017864.4(INTS8):c.1665T>C (p.Ser555=)

Gene: INTS8 (integrator complex subunit 8; plus strand). Cytogenetic location: 8q22.1.
Variant type: single nucleotide variant.
Coding change: c.1665T>C on transcript NM_017864.4 (MANE Select); coding-DNA position 1665, T replaced by C.
Protein change: p.Ser555=; no amino-acid change (serine 555 retained).
Molecular consequence: synonymous variant. On other transcripts: non-coding transcript variant (2).
Genome position (GRCh38, 1-based): chr8:94,853,828, T>C. VCF-style: chr8-94853828-T-C. GRCh37 (hg19) VCF-style: chr8-95866056-T-C.
Identifiers: ClinVar variation 1285137 (VCV001285137.24), dbSNP rs373374701, ClinGen allele CA4813649.

ClinVar aggregate classification (germline): Likely benign. Review status: criteria provided, single submitter (1 of 4 stars). 3 submissions from 3 submitters: Likely benign (1). 2 of the submissions do not count toward it. Last evaluated 2024-02-01.

Allele frequency attached by ClinVar (database versions not stated): ESP Exome Variant Server 0.00023; TOPMed 0.00036; gnomAD 0.00046 and 0.00049; ExAC 0.00047; gnomAD exomes 0.00051 and 0.00067.

Submissions (3):

CeGaT Center for Human Genetics Tuebingen
Classification: Likely benign. Last evaluated: 2024-02-01. Review status: criteria provided, single submitter. Criteria: CeGaT Center For Human Genetics Tuebingen Variant Classification Criteria Version 2. Collection method: clinical testing. Allele origin: germline. Affected: yes. Observed: 1 variant allele.
Comment: INTS8: BP4, BP7

Clinical Genetics DNA and cytogenetics Diagnostics Lab, Erasmus MC, Erasmus Medical Center
Classification: Likely benign. Review status: no assertion criteria provided. Collection method: clinical testing. Allele origin: germline. Affected: yes. Study: VKGL Data-share Consensus. Not counted in ClinVar's aggregate classification.

Genome Diagnostics Laboratory, University Medical Center Utrecht
Classification: Likely benign. Review status: no assertion criteria provided. Collection method: clinical testing. Allele origin: germline. Affected: yes. Study: VKGL Data-share Consensus. Not counted in ClinVar's aggregate classification.